The following is an entry in ClinVar:

NM_017654.4(SAMD9):c.2318T>C (p.Ile773Thr)

Gene: SAMD9 (sterile alpha motif domain containing 9; minus strand). Cytogenetic location: 7q21.2.
Variant type: single nucleotide variant.
Coding change: c.2318T>C on transcript NM_017654.4 (MANE Select); coding-DNA position 2318, T replaced by C.
Protein change: p.Ile773Thr; replaces isoleucine 773 with threonine.
Molecular consequence: missense variant.
Genome position (GRCh38, 1-based): chr7:93,103,780, A>G on the plus strand (T>C on the coding strand, the complement: SAMD9 is on the minus strand). VCF-style: chr7-93103780-A-G. GRCh37 (hg19) VCF-style: chr7-92733093-A-G.
Other names: c.2318T>C, p.Ile773Thr (NM_001193307.2); short protein forms I773T.
Identifiers: ClinVar variation 2169523 (VCV002169523.4), dbSNP rs2535358557, ClinGen allele CA368191430.
Genomic context (GRCh38, chr7:93,103,780, plus strand): 5'-GGTACGTATTCCTGACGGTTCATTGCCCCATAGGTGATTAAACTGGTTACCTGTTCTCCA[A>G]TTTCAGAAAAATCCACTGTCTTGTTTTTCAGCACAGCACATCTGAATTTCTTCCTTAGTT-3'
Protein context (NP_060124.2, residues 763-783): LKNKTVDFSE[Ile773Thr]GEQVTSLITY

ClinVar aggregate classification (germline): Uncertain significance (1 of 4 stars; one submission).

Submission:

Labcorp Genetics (formerly Invitae), Labcorp
Classification: Uncertain significance. Last evaluated: 2022-05-28. Review status: criteria provided, single submitter. Criteria: Invitae Variant Classification Sherloc (09022015). Collection method: clinical testing. Allele origin: germline.
Comment: In summary, the available evidence is currently insufficient to determine the role of this variant in disease. Therefore, it has been classified as a Variant of Uncertain Significance. Algorithms developed to predict the effect of missense changes on protein structure and function are either unavailable or do not agree on the potential impact of this missense change (SIFT: "Deleterious"; PolyPhen-2: "Possibly Damaging"; Align-GVGD: "Class C0"). This missense change has been observed in individual(s) with clinical features of MIRAGE syndrome (PMID: 30900330, 32054657). This variant is not present in population databases (gnomAD no frequency). This sequence change replaces isoleucine, which is neutral and non-polar, with threonine, which is neutral and polar, at codon 773 of the SAMD9 protein (p.Ile773Thr).

Literature cited by the submitters: PubMed 30900330; PubMed 32054657.